The following is an entry in ClinVar:

ClinVar aggregate classification (germline): Uncertain significance (1 of 4 stars; one submission).

Conditions:
KSR2-related disorder. Also called: KSR2-related condition.

gnomAD v4.1: 6 of 1,612,798 alleles (0.00037%); highest among the groups gnomAD compares: South Asian, 0.0044%; no homozygotes.

Submission:

PreventionGenetics, part of Exact Sciences
Classification: Uncertain significance for KSR2-related condition. Last evaluated: 2025-12-05. Review status: criteria provided, single submitter. Criteria: ACMG Guidelines, 2015. Collection method: clinical testing. Allele origin: germline.
Comment: The KSR2 c.466C>G variant is predicted to result in the amino acid substitution p.Pro156Ala. To our knowledge, this variant has not been reported in the literature or in a large population database (gnomAD), indicating this variant is rare. At this time, the clinical significance of this variant is uncertain due to the absence of conclusive functional and genetic evidence.

NM_173598.6(KSR2):c.553C>G (p.Pro185Ala)

Gene: KSR2 (kinase suppressor of ras 2; minus strand). Cytogenetic location: 12q24.23.
Variant type: single nucleotide variant.
Coding change: c.553C>G on transcript NM_173598.6 (MANE Select); coding-DNA position 553, C replaced by G.
Protein change: p.Pro185Ala; replaces proline 185 with alanine.
Molecular consequence: missense variant.
Genome position (GRCh38, 1-based): chr12:117,761,444, G>C on the plus strand (C>G on the coding strand, the complement: KSR2 is on the minus strand). VCF-style: chr12-117761444-G-C. GRCh37 (hg19) VCF-style: chr12-118199249-G-C.
Other names: short protein forms P185A.
Identifiers: ClinVar variation 4995030 (VCV004995030.1).